The following is an entry in ClinVar:

NM_002528.7(NTHL1):c.205G>A (p.Glu69Lys)

Gene: NTHL1 (nth like DNA glycosylase 1; minus strand). Cytogenetic location: 16p13.3.
Variant type: single nucleotide variant.
Coding change: c.205G>A on transcript NM_002528.7 (MANE Select); coding-DNA position 205, G replaced by A.
Protein change: p.Glu69Lys; replaces glutamic acid 69 with lysine.
Molecular consequence: missense variant. On other transcripts: intron variant (1).
Genome position (GRCh38, 1-based): chr16:2,046,277, C>T on the plus strand (G>A on the coding strand, the complement: NTHL1 is on the minus strand). VCF-style: chr16-2046277-C-T. GRCh37 (hg19) VCF-style: chr16-2096278-C-T.
Other names: c.205G>A, p.Glu69Lys (NM_001318193.2); c.24+3G>A (NM_001318194.2); short protein forms E69K.
Identifiers: ClinVar variation 4861234 (VCV004861234.1).

ClinVar aggregate classification (germline): Uncertain significance (1 of 4 stars; one submission).

Conditions:
Hereditary cancer-predisposing syndrome. Also called: Neoplastic Syndromes, Hereditary; Tumor predisposition; Hereditary Cancer Syndrome; Hereditary neoplastic syndrome. Identifiers: Orphanet 140162, MedGen C0027672, MeSH D009386, MONDO:0015356.

gnomAD v4.1: 3 of 1,613,312 alleles (0.00019%); highest among the groups gnomAD compares: Non-Finnish European, 0.00025%; no homozygotes.

Submission:

Ambry Genetics
Classification: Uncertain significance for Hereditary cancer-predisposing syndrome. Last evaluated: 2026-04-28. Review status: criteria provided, single submitter. Criteria: Ambry Variant Classification Scheme 2023. Collection method: clinical testing. Allele origin: germline.
Comment: The p.E77K variant (also known as c.229G>A), located in coding exon 2 of the NTHL1 gene, results from a G to A substitution at nucleotide position 229. The glutamic acid at codon 77 is replaced by lysine, an amino acid with similar properties. This amino acid position is conserved. In addition, this alteration is predicted to be tolerated by in silico analysis. Based on the available evidence, the clinical significance of this variant remains unclear.